The following is an entry in ClinVar:

NM_005085.4(NUP214):c.2478A>G (p.Gln826=)

Gene: NUP214 (nucleoporin 214; plus strand). Cytogenetic location: 9q34.13.
Variant type: single nucleotide variant.
Coding change: c.2478A>G on transcript NM_005085.4 (MANE Select); coding-DNA position 2478, A replaced by G.
Protein change: p.Gln826=; no amino-acid change (glutamine 826 retained).
Molecular consequence: synonymous variant.
Genome position (GRCh38, 1-based): chr9:131,159,424, A>G. VCF-style: chr9-131159424-A-G. GRCh37 (hg19) VCF-style: chr9-134034811-A-G.
Other names: NC_000009.11:g.134034811A>G; c.2448A>G, p.Gln816= (NM_001318324.2).
Identifiers: ClinVar variation 3341638 (VCV003341638.17).
Genomic context (GRCh38, chr9:131,159,424, plus strand): 5'-TTTAATTTTTTTCTTATAGGAAATTCGGCGCCTTCATCAGTATGTGAAATTTGCTGTCCA[A>G]GATGTGAATGATGTTCTAGACTTGGAGTGGGATCAGCATCTGGAACAAAAGAAAAAACAA-3'
Protein context (NP_005076.3, residues 816-836): RLHQYVKFAV[Gln826=]DVNDVLDLEW

ClinVar aggregate classification (germline): Likely benign (1 of 4 stars; one submission).

gnomAD v4.1: 469 of 1,614,026 alleles (0.029%); highest among the groups gnomAD compares: South Asian, 0.065%; 1 homozygote.

Submissions (2):

CeGaT Center for Human Genetics Tuebingen
Classification: Likely benign. Last evaluated: 2024-07-01. Review status: criteria provided, single submitter. Criteria: CeGaT Center For Human Genetics Tuebingen Variant Classification Criteria Version 2. Collection method: clinical testing. Allele origin: germline. Affected: yes. Observed: 1 variant allele.
Comment: NUP214: BP4, BP7

Dr. Peter K. Rogan Lab, Western University
No classification provided (evidence only). Condition: Thymoma. Review status: no classification provided. Collection method: in vitro. Allele origin: not applicable. Functional consequence: retained intron. Not counted in ClinVar's aggregate classification.